The following is an entry in ClinVar:

ClinVar aggregate classification (germline): Uncertain significance (1 of 4 stars; one submission).

Conditions:
Microcephaly, epilepsy, and diabetes syndrome. Identifiers: Orphanet 306558, MedGen C3280240, MONDO:0100328.

Allele frequency attached by ClinVar (database versions not stated): gnomAD exomes below 0.00001 and 0.00001; gnomAD 0.00001; TOPMed 0.00001.
gnomAD v4.1: 15 of 1,603,446 alleles (0.00094%); highest among the groups gnomAD compares: Non-Finnish European, 0.0013%; no homozygotes.

Submission:

Labcorp Genetics (formerly Invitae), Labcorp
Classification: Uncertain significance for Microcephaly, epilepsy, and diabetes syndrome. Last evaluated: 2022-12-06. Review status: criteria provided, single submitter. Criteria: Invitae Variant Classification Sherloc (09022015). Collection method: clinical testing. Allele origin: germline.
Comment: This variant is present in population databases (no rsID available, gnomAD 0.001%). This variant has not been reported in the literature in individuals affected with IER3IP1-related conditions. Algorithms developed to predict the effect of missense changes on protein structure and function are either unavailable or do not agree on the potential impact of this missense change (SIFT: "Deleterious"; PolyPhen-2: "Probably Damaging"; Align-GVGD: "Class C0"). In summary, the available evidence is currently insufficient to determine the role of this variant in disease. Therefore, it has been classified as a Variant of Uncertain Significance. This sequence change replaces glutamic acid, which is acidic and polar, with alanine, which is neutral and non-polar, at codon 24 of the IER3IP1 protein (p.Glu24Ala).

NM_016097.5(IER3IP1):c.71A>C (p.Glu24Ala)

Gene: IER3IP1 (immediate early response 3 interacting protein 1; minus strand). Cytogenetic location: 18q21.1.
Variant type: single nucleotide variant.
Coding change: c.71A>C on transcript NM_016097.5 (MANE Select); coding-DNA position 71, A replaced by C.
Protein change: p.Glu24Ala; replaces glutamic acid 24 with alanine.
Molecular consequence: missense variant.
Genome position (GRCh38, 1-based): chr18:47,176,207, T>G on the plus strand (A>C on the coding strand, the complement: IER3IP1 is on the minus strand). VCF-style: chr18-47176207-T-G. GRCh37 (hg19) VCF-style: chr18-44702578-T-G.
Other names: short protein forms E24A.
Identifiers: ClinVar variation 1047582 (VCV001047582.6), dbSNP rs1011485628, ClinGen allele CA300179309.